The following is an entry in ClinVar:

ClinVar aggregate classification (germline): Uncertain significance. Review status: criteria provided, multiple submitters, no conflicts (2 of 4 stars). 3 submissions from 3 submitters: Uncertain significance (3). Last evaluated 2025-08-01.

Conditions:
Cone-rod dystrophy 5 (CORD5). Identifiers: Orphanet 1872, MedGen C1832976, MONDO:0010969, OMIM 600977.

Allele frequency attached by ClinVar (database versions not stated): gnomAD 0.00001; TOPMed 0.00002; gnomAD exomes 0.00004; ExAC 0.00012.
gnomAD v4.1: 18 of 1,592,592 alleles (0.0011%); highest among the groups gnomAD compares: East Asian, 0.0091%; no homozygotes.

Submissions (3):

Ambry Genetics
Classification: Uncertain significance. Last evaluated: 2025-08-01. Review status: criteria provided, single submitter. Criteria: Ambry Variant Classification Scheme 2023. Collection method: clinical testing. Allele origin: germline.

Labcorp Genetics (formerly Invitae), Labcorp
Classification: Uncertain significance. Last evaluated: 2022-08-05. Review status: criteria provided, single submitter. Criteria: Invitae Variant Classification Sherloc (09022015). Collection method: clinical testing. Allele origin: germline.
Comment: The frequency data for this variant in the population databases is considered unreliable, as metrics indicate poor data quality at this position in the gnomAD database. This variant has not been reported in the literature in individuals affected with PITPNM3-related conditions. ClinVar contains an entry for this variant (Variation ID: 932079). Algorithms developed to predict the effect of missense changes on protein structure and function are either unavailable or do not agree on the potential impact of this missense change (SIFT: "Deleterious"; PolyPhen-2: "Possibly Damaging"; Align-GVGD: "Class C0"). In summary, the available evidence is currently insufficient to determine the role of this variant in disease. Therefore, it has been classified as a Variant of Uncertain Significance. This sequence change replaces alanine, which is neutral and non-polar, with valine, which is neutral and non-polar, at codon 837 of the PITPNM3 protein (p.Ala837Val).

Centre for Mendelian Genomics, University Medical Centre Ljubljana
Classification: Uncertain significance for Cone-rod dystrophy 5. Last evaluated: 2019-06-03. Review status: criteria provided, single submitter. Criteria: ACMG Guidelines, 2015. Collection method: clinical testing. Allele origin: unknown. Affected: yes.
Comment: This variant was classified as: Uncertain significance. The available evidence on this variant's pathogenicity is insufficient or conflicting. The following ACMG criteria were applied in classifying this variant: PP3.

NM_031220.4(PITPNM3):c.2510C>T (p.Ala837Val)

Gene: PITPNM3 (PITPNM family member 3; minus strand). Cytogenetic location: 17p13.2.
Variant type: single nucleotide variant.
Coding change: c.2510C>T on transcript NM_031220.4 (MANE Select); coding-DNA position 2510, C replaced by T.
Protein change: p.Ala837Val; replaces alanine 837 with valine.
Molecular consequence: missense variant.
Genome position (GRCh38, 1-based): chr17:6,457,703, G>A on the plus strand (C>T on the coding strand, the complement: PITPNM3 is on the minus strand). VCF-style: chr17-6457703-G-A. GRCh37 (hg19) VCF-style: chr17-6361023-G-A.
Other names: c.2402C>T, p.Ala801Val (NM_001165966.2); short protein forms A801V, A837V.
Identifiers: ClinVar variation 932079 (VCV000932079.11), dbSNP rs756226356, ClinGen allele CA8329143.
Genomic context (GRCh38, chr17:6,457,703, plus strand): 5'-TGGGAGGCAGGCAGGCCCAGCACGCTGTAGACAGAGATGTCCTTCGTGGAGCCATAGGCC[G>A]CACTGATTTTGATGAAGCACTGAAACACAGGGCAGGCATAGGGGGAGAGTGAGGCCAGCC-3'
Protein context (NP_112497.2, residues 827-847): LMQECFIKIS[Ala837Val]AYGSTKDISV